The following is an entry in ClinVar:

ClinVar aggregate classification (germline): Pathogenic/Likely pathogenic. Review status: criteria provided, multiple submitters, no conflicts (2 of 4 stars). 2 submissions from 2 submitters: Pathogenic (1); Likely pathogenic (1). Last evaluated 2024-04-23.

Conditions:
Mucolipidosis type II. Also called: ML II ALPHA/BETA; Mucolipidosis 2; ML 2; Inclusion cell disease; Leroy Disease; N-acetylglucosamine 1phosphotransferase deficiency. Identifiers: Orphanet 576, MedGen C2673377, MONDO:0009650, OMIM 252500.
Pseudo-Hurler polydystrophy. Also called: ML III; ML III ALPHA/BETA; Type III Mucolipidosis; ML IIIA; Mucolipidosis III Alpha/Beta; MUCOLIPIDOSIS IIIA. Identifiers: Orphanet 423461, Orphanet 577, MedGen C0033788, MONDO:0018931, OMIM 252600.

Submissions (2):

Fulgent Genetics
Classification: Likely pathogenic for Mucolipidosis type II; Pseudo-Hurler polydystrophy. Last evaluated: 2024-04-23. Review status: criteria provided, single submitter. Criteria: ACMG Guidelines, 2015. Collection method: clinical testing. Allele origin: germline.

Labcorp Genetics (formerly Invitae), Labcorp
Classification: Pathogenic for Pseudo-Hurler polydystrophy; Mucolipidosis type II. Last evaluated: 2023-09-22. Review status: criteria provided, single submitter. Criteria: Invitae Variant Classification Sherloc (09022015). Collection method: clinical testing. Allele origin: germline.
Comment: For these reasons, this variant has been classified as Pathogenic. This variant has not been reported in the literature in individuals affected with GNPTAB-related conditions. This variant is not present in population databases (gnomAD no frequency). This sequence change creates a premature translational stop signal (p.Arg680Glufs*3) in the GNPTAB gene. It is expected to result in an absent or disrupted protein product. Loss-of-function variants in GNPTAB are known to be pathogenic (PMID: 19617216, 25107912).

Literature cited by the submitters: PubMed 19617216 (cited by Labcorp Genetics (formerly Invitae), Labcorp); PubMed 25107912 (cited by Labcorp Genetics (formerly Invitae), Labcorp).

NM_024312.5(GNPTAB):c.2036dup (p.Arg680fs)

Gene: GNPTAB (N-acetylglucosamine-1-phosphate transferase subunits alpha and beta; minus strand). Cytogenetic location: 12q23.2.
Variant type: Duplication.
Coding change: c.2036dup on transcript NM_024312.5 (MANE Select); coding-DNA position 2036, one base duplicated (A; older notation c.2036dupA).
Protein change: p.Arg680fs; shifts the reading frame from arginine 680.
Molecular consequence: frameshift variant.
Genome position (GRCh38, 1-based): chr12:101,764,881, T duplicated on the plus strand (A on the coding strand, the reverse complement: GNPTAB is on the minus strand); the first of 2 consecutive T bases (chr12:101,764,881-101,764,882); duplicating either gives the same sequence. VCF-style (leftmost placement, unchanged base first): chr12-101764880-C-CT. GRCh37 (hg19) VCF-style: chr12-102158658-C-CT.
Other names: short protein forms R680fs.
Identifiers: ClinVar variation 2942374 (VCV002942374.4), dbSNP rs2547957527, ClinGen allele CA2740092579.
Genomic context (GRCh38, chr12:101,764,880, plus strand): 5'-ATTTACCAGGGGAATTTTCACCTCTTCCTGGGCTCTCCTTGTTGAGTTAACATCATGTCT[C>CT]TTAAACTTCGGGAAGCGTTTTTCTTTGGGAATATCCTCAAAAAGGATTTCCGCCTCTGGA-3'